The following is an entry in ClinVar:

ClinVar aggregate classification (germline): Likely pathogenic (1 of 4 stars; one submission).

Conditions:
Intellectual developmental disorder, X-linked 99, syndromic, female-restricted. Also called: Intellectual disability, X-linked 99, syndromic, female-restricted. Identifiers: MedGen C4225416, MONDO:0010502, OMIM 300968.

Submission:

Victorian Clinical Genetics Services, Murdoch Childrens Research Institute
Classification: Likely pathogenic for Intellectual developmental disorder, X-linked 99, syndromic, female-restricted. Last evaluated: 2017-09-19. Review status: criteria provided, single submitter. Criteria: ACMG Guidelines, 2015. Collection method: clinical testing. Allele origin: unknown. Inheritance: X-linked inheritance. Affected: yes.
Comment: A heterozygous nonsense variant, NM_001039590.2(USP9X):c.5047C>T, has been identified in exon 33 of 45 of the USP9X gene. The variant is predicted to result in a premature stop codon at position 1683 of the protein (NP_001034679.2(USP9X):p.(Gln1683*). This variant is predicted to result in loss of protein function either through truncation (including the conserved C19C domain) or nonsense-mediated decay, which is a reported mechanism of pathogenicity for this gene. The variant is absent in population databases (gnomAD, dbSNP, 1000G) and has not been previously reported in clinical cases. Based on the information available at the time of curation, this variant has been classified as LIKELY PATHOGENIC.

NM_001039591.3(USP9X):c.5047C>T (p.Gln1683Ter)

Gene: USP9X (ubiquitin specific peptidase 9 X-linked; plus strand). Cytogenetic location: Xp11.4.
Variant type: single nucleotide variant.
Coding change: c.5047C>T on transcript NM_001039591.3 (MANE Select); coding-DNA position 5047, C replaced by T.
Protein change: p.Gln1683Ter; replaces glutamine 1683 with a stop codon.
Molecular consequence: nonsense.
Genome position (GRCh38, 1-based): chrX:41,210,540, C>T. VCF-style: chrX-41210540-C-T. GRCh37 (hg19) VCF-style: chrX-41069793-C-T.
Other names: c.5047C>T, p.Gln1683Ter (NM_001039590.3); short protein forms Q1683*.
Identifiers: ClinVar variation 488397 (VCV000488397.3), dbSNP rs1555932766, ClinGen allele CA412783992.